The following is an entry in ClinVar:

ClinVar aggregate classification (germline): Uncertain significance (1 of 4 stars; one submission).

Conditions:
GTP cyclohydrolase I deficiency. Identifiers: MedGen C0268467, MONDO:0100184.
Dystonia 5 (DRD). Also called: DYSTONIA, PROGRESSIVE, WITH DIURNAL VARIATION; DYSTONIA-PARKINSONISM WITH DIURNAL FLUCTUATION; Dystonia, DOPA-responsive, with or without hyperphenylalaninemia; GTP Cyclohydrolase 1-Deficient Dopa-Responsive Dystonia; DYT-GCH1. Identifiers: Orphanet 98808, MedGen C1851920, MONDO:0007495, OMIM 128230.

Submission:

Labcorp Genetics (formerly Invitae), Labcorp
Classification: Uncertain significance for GTP cyclohydrolase I deficiency; Dystonia 5. Last evaluated: 2024-11-12. Review status: criteria provided, single submitter. Criteria: Invitae Variant Classification Sherloc (09022015). Collection method: clinical testing. Allele origin: germline.
Comment: This sequence change replaces valine, which is neutral and non-polar, with leucine, which is neutral and non-polar, at codon 172 of the GCH1 protein (p.Val172Leu). This variant is not present in population databases (gnomAD no frequency). This variant has not been reported in the literature in individuals affected with GCH1-related conditions. Invitae Evidence Modeling of protein sequence and biophysical properties (such as structural, functional, and spatial information, amino acid conservation, physicochemical variation, residue mobility, and thermodynamic stability) indicates that this missense variant is not expected to disrupt GCH1 protein function with a negative predictive value of 80%. In summary, the available evidence is currently insufficient to determine the role of this variant in disease. Therefore, it has been classified as a Variant of Uncertain Significance.

NM_000161.3(GCH1):c.514G>C (p.Val172Leu)

Gene: GCH1 (GTP cyclohydrolase 1; minus strand). Cytogenetic location: 14q22.2.
Variant type: single nucleotide variant.
Coding change: c.514G>C on transcript NM_000161.3 (MANE Select); coding-DNA position 514, G replaced by C.
Protein change: p.Val172Leu; replaces valine 172 with leucine.
Molecular consequence: missense variant. On other transcripts: intron variant (1).
Genome position (GRCh38, 1-based): chr14:54,847,126, C>G on the plus strand (G>C on the coding strand, the complement: GCH1 is on the minus strand). VCF-style: chr14-54847126-C-G. GRCh37 (hg19) VCF-style: chr14-55313844-C-G.
Other names: c.514G>C, p.Val172Leu (NM_001024024.2, NM_001024070.2, NM_001024071.2); c.220G>C, p.Val74Leu (NM_001424105.1); c.510-4072G>C (NM_001424104.1); short protein forms V172L, V74L.
Identifiers: ClinVar variation 3758753 (VCV003758753.2).
Genomic context (GRCh38, chr14:54,847,126, plus strand): 5'-TGTTTTCTGTTAATACAGATTTTTAAAGCTTACCTTGTAGTCTTCTACTATAGATTTCTA[C>G]AATCCTAGAAAAGAAAGAATTGTTTTAGTTAATCACAAATCATTTGAAGTAAAATTGATA-3'
Protein context (NP_000152.1, residues 162-182): VLGLSKLARI[Val172Leu]EIYSRRLQVQ